The following is an entry in ClinVar:

ClinVar aggregate classification (germline): Pathogenic (1 of 4 stars; one submission).

Conditions:
CYP21A2-related disorder. Also called: CYP21A2-related condition.

Submission:

PreventionGenetics, part of Exact Sciences
Classification: Pathogenic for CYP21A2-related condition. Last evaluated: 2026-02-27. Review status: criteria provided, single submitter. Criteria: ACMG Guidelines, 2015. Collection method: clinical testing. Allele origin: germline.
Comment: The CYP21A2 c.-103A>G variant is located in the 5' untranslated region. To our knowledge, this variant has not been individually (i.e. alone in the precoding area on one chromosome) reported in patients in the literature, but it has been reported with other precoding variants as a group (in cis) in some CAH patients (see for example, Zhao et al. 2022. PubMed ID: 36866166). It is one of precoding variants which are exclusively conserved in the precoding region of the pseudogene CYP21A1P, indicative of a micro-gene conversion event (i.e. this variant was transferred from the pseudogene CYP21A1P to the active gene CYP21A2). In the absence of the other conserved variants in this region of CYP21A1P and the pathogenic variants in exon 1 defined as c.92C>T (p.Pro31Leu) (aka P30L), this variant alone is unlikely to be indicative of a chimeric CYP21A1P/CYP21A2 gene (conventionally called 30kb deletions in the literature) resulting from an unequal crossing over event at the RCCX module of the human major histocompatibility complex (MHC) region (Cantürk et al. 2011. PubMed ID: 21148302; Chen et al. 2012. PubMed ID: 22156666; Merke et al. 2013. PubMed ID: 23284009). The minor allele frequency of this variant in the gnomAD database (up to 1.6% in African) based on the current next-generation sequencing technology, which may not be an accurate estimate because this variant is located within a highly homologous sequence region (Mandelker et al. 2016. PubMed ID: 27228465). Of note, promoter variants in CYP21A2 have been reported to reduce transcriptional activities and therefore possibly be associated with milder disease expressivity (see for example, Zhang et al. 2009. PubMed ID: 18702679; Araújo et al. 2007. PubMed ID: 17666484). Due to limited functional and genetic evidence, the clinical significance of the c.-103A>G variant is currently uncertain.

NM_000500.9(CYP21A2):c.-103A>G

Genes: CYP21A2 (cytochrome P450 family 21 subfamily A member 2; plus strand), LOC106780800 (CYP21A2 recombination region; plus strand), LOC110631417 (CYP21A2 5' regulatory region; plus strand). Cytogenetic location: 6p21.33.
Variant type: single nucleotide variant.
Coding change: c.-103A>G on transcript NM_000500.9 (MANE Select); 103 bases upstream of the start codon, A replaced by G.
Genome position (GRCh38, 1-based): chr6:32,038,320, A>G. VCF-style: chr6-32038320-A-G. GRCh37 (hg19) VCF-style: chr6-32006097-A-G.
Identifiers: ClinVar variation 3352806 (VCV003352806.3).